The following is an entry in ClinVar:

NM_203446.3(SYNJ1):c.2302C>G (p.Gln768Glu)

Gene: SYNJ1 (synaptojanin 1; minus strand). Cytogenetic location: 21q22.11.
Variant type: single nucleotide variant.
Coding change: c.2302C>G on transcript NM_203446.3 (MANE Select); coding-DNA position 2302, C replaced by G.
Protein change: p.Gln768Glu; replaces glutamine 768 with glutamic acid.
Molecular consequence: missense variant.
Genome position (GRCh38, 1-based): chr21:32,664,915, G>C on the plus strand (C>G on the coding strand, the complement: SYNJ1 is on the minus strand). VCF-style: chr21-32664915-G-C. GRCh37 (hg19) VCF-style: chr21-34037225-G-C.
Other names: c.2302C>G, p.Gln768Glu (NM_001160302.2); c.2287C>G, p.Gln763Glu (NM_001160306.2); c.2419C>G, p.Gln807Glu (NM_003895.4); short protein forms Q763E, Q768E, Q807E.
Identifiers: ClinVar variation 1468364 (VCV001468364.4), dbSNP rs200612458, ClinGen allele CA10003697.

ClinVar aggregate classification (germline): Uncertain significance (1 of 4 stars; one submission).

Conditions:
Developmental and epileptic encephalopathy, 53. Also called: Epileptic encephalopathy, early infantile, 53. Identifiers: MedGen C4479313, MONDO:0033362, OMIM 617389.
Early-onset Parkinson disease 20. Also called: PARKINSON DISEASE 20, AUTOSOMAL RECESSIVE EARLY-ONSET. Identifiers: Orphanet 391411, MedGen C3809824, MONDO:0014233, OMIM 615530.

Allele frequency attached by ClinVar (database versions not stated): gnomAD 0.00002; gnomAD exomes 0.00002 and 0.00005; TOPMed 0.00002; ExAC 0.00003.
gnomAD v4.1: 39 of 1,606,910 alleles (0.0024%); highest among the groups gnomAD compares: Admixed American, 0.0017%; no homozygotes.

Submission:

Labcorp Genetics (formerly Invitae), Labcorp
Classification: Uncertain significance for Developmental and epileptic encephalopathy, 53; Early-onset Parkinson disease 20. Last evaluated: 2022-08-13. Review status: criteria provided, single submitter. Criteria: Invitae Variant Classification Sherloc (09022015). Collection method: clinical testing. Allele origin: germline.
Comment: In summary, the available evidence is currently insufficient to determine the role of this variant in disease. Therefore, it has been classified as a Variant of Uncertain Significance. Algorithms developed to predict the effect of missense changes on protein structure and function (SIFT, PolyPhen-2, Align-GVGD) all suggest that this variant is likely to be tolerated. ClinVar contains an entry for this variant (Variation ID: 1468364). This variant has not been reported in the literature in individuals affected with SYNJ1-related conditions. This variant is present in population databases (rs200612458, gnomAD 0.1%). This sequence change replaces glutamine, which is neutral and polar, with glutamic acid, which is acidic and polar, at codon 807 of the SYNJ1 protein (p.Gln807Glu).